The following is an entry in ClinVar:

ClinVar aggregate classification (germline): Uncertain significance (1 of 4 stars; one submission).

Conditions:
Periodontitis, aggressive. Identifiers: MedGen C0031106, MONDO:0980757.
Haim-Munk syndrome (HMS). Also called: COCHIN JEWISH DISORDER; KERATOSIS PALMOPLANTARIS WITH PERIODONTOPATHIA AND ONYCHOGRYPOSIS. Identifiers: Orphanet 2342, MedGen C1855627, MONDO:0009491, OMIM 245010.
Papillon-Lefèvre syndrome (PALS). Also called: KERATOSIS PALMOPLANTARIS WITH PERIODONTOPATHIA; Papillon-Lefevre Disease. Identifiers: Orphanet 678, MedGen C0030360, MONDO:0009490, OMIM 245000.

Allele frequency attached by ClinVar (database versions not stated): gnomAD exomes below 0.00001.

Submission:

Labcorp Genetics (formerly Invitae), Labcorp
Classification: Uncertain significance for Haim-Munk syndrome; Periodontitis, aggressive; Papillon-Lefèvre syndrome. Last evaluated: 2022-06-10. Review status: criteria provided, single submitter. Criteria: Invitae Variant Classification Sherloc (09022015). Collection method: clinical testing. Allele origin: germline.
Comment: This sequence change replaces leucine, which is neutral and non-polar, with valine, which is neutral and non-polar, at codon 409 of the CTSC protein (p.Leu409Val). This variant is present in population databases (no rsID available, gnomAD 0.006%). This variant has not been reported in the literature in individuals affected with CTSC-related conditions. Algorithms developed to predict the effect of missense changes on protein structure and function are either unavailable or do not agree on the potential impact of this missense change (SIFT: "Not Available"; PolyPhen-2: "Possibly Damaging"; Align-GVGD: "Not Available"). In summary, the available evidence is currently insufficient to determine the role of this variant in disease. Therefore, it has been classified as a Variant of Uncertain Significance.

NM_001814.6(CTSC):c.1225C>G (p.Leu409Val)

Gene: CTSC (cathepsin C; minus strand). Cytogenetic location: 11q14.2.
Variant type: single nucleotide variant.
Coding change: c.1225C>G on transcript NM_001814.6 (MANE Select); coding-DNA position 1225, C replaced by G.
Protein change: p.Leu409Val; replaces leucine 409 with valine.
Molecular consequence: missense variant.
Genome position (GRCh38, 1-based): chr11:88,294,173, G>C on the plus strand (C>G on the coding strand, the complement: CTSC is on the minus strand). VCF-style: chr11-88294173-G-C. GRCh37 (hg19) VCF-style: chr11-88027341-G-C.
Other names: short protein forms L409V.
Identifiers: ClinVar variation 2004532 (VCV002004532.1), dbSNP rs1380414024, ClinGen allele CA382021600.
Genomic context (GRCh38, chr11:88,294,173, plus strand): 5'-AGCTGTTTTTAACAATCCAGTAATCCATCCCAGAGGCTGAGTCAGTGCCATAGCCCACAA[G>C]CAGAACAGCATGATTAGTCAGCTCAAAGGGGTTGAAAGGGTCTCTTAGACCAGTGTGGTG-3'
Protein context (NP_001805.4, residues 399-419): PFELTNHAVL[Leu409Val]VGYGTDSASG